The following is an entry in ClinVar:

NM_000053.4(ATP7B):c.3550dup (p.Ile1184fs)

Gene: ATP7B (ATPase copper transporting beta; minus strand). Cytogenetic location: 13q14.3.
Variant type: Duplication.
Coding change: c.3550dup on transcript NM_000053.4 (MANE Select); coding-DNA position 3550, one base duplicated (A; older notation c.3550dupA).
Protein change: p.Ile1184fs; shifts the reading frame from isoleucine 1184.
Molecular consequence: frameshift variant. On other transcripts: intron variant (2).
Genome position (GRCh38, 1-based): chr13:51,941,087, T duplicated on the plus strand (A on the coding strand, the reverse complement: ATP7B is on the minus strand). VCF-style (leftmost placement, unchanged base first): chr13-51941086-A-AT. GRCh37 (hg19) VCF-style: chr13-52515222-A-AT.
Other names: c.2929dup, p.Ile977fs (NM_001005918.3); c.3217dup, p.Ile1073fs (NM_001243182.2); c.3316dup, p.Ile1106fs (NM_001330578.2, NM_001406527.1, NM_001406528.1); c.3298dup, p.Ile1100fs (NM_001330579.2, NM_001406531.1, NM_001406532.1); c.3550dup, p.Ile1184fs (NM_001406511.1, NM_001406512.1, NM_001406526.1); c.3544dup, p.Ile1182fs (NM_001406513.1); c.3517dup, p.Ile1173fs (NM_001406514.1); c.3496dup, p.Ile1166fs (NM_001406515.1, NM_001406516.1); and 21 more; short protein forms I1022fs, I1035fs, I1041fs, I1071fs, I1073fs, I1074fs, I1088fs, I1100fs.
Identifiers: ClinVar variation 2501704 (VCV002501704.2), dbSNP rs2547599465, ClinGen allele CA2580614740.

ClinVar aggregate classification (germline): Pathogenic/Likely pathogenic. Review status: criteria provided, multiple submitters, no conflicts (2 of 4 stars). 2 submissions from 2 submitters: Pathogenic (1); Likely pathogenic (1). Last evaluated 2025-10-03.

Conditions:
Wilson disease (WND). Also called: Wilson's disease. Identifiers: Orphanet 905, MedGen C0019202, MONDO:0010200, OMIM 277900. Disease mechanism: loss of function.

Submissions (2):

Myriad Genetics, Inc.
Classification: Pathogenic for Wilson disease. Last evaluated: 2025-10-03. Review status: criteria provided, single submitter. Criteria: Myriad Autosomal Dominant, Autosomal Recessive and X-Linked Classification Criteria (2023). Collection method: clinical testing. Allele origin: unknown.
Comment: NM_000053.3(ATP7B):c.3550dupA(I1184Nfs*2) is expected to be pathogenic in the context of Wilson disease. This variant is predicted to lead to an abnormal or absent protein product due to the creation of a premature termination codon in ATP7B, a gene where loss-of-function variants are known to be pathogenic. Please note: this variant was assessed in the context of healthy population screening.

Lifecell International Pvt. Ltd
Classification: Likely pathogenic for Wilson disease. Review status: criteria provided, single submitter. Criteria: ACMG Guidelines, 2015. Collection method: clinical testing. Allele origin: germline. Inheritance: Autosomal recessive inheritance. Affected: yes. Observed: 1 compound heterozygote.
Comment: A Heterozygous Frameshift variant c.3550dupA in Exon 16 of the ATP7B gene that results in the amino acid substitution p.Ile1184fs*2 was identified. The observed variant novel in gnomAD exomes and genomes, respectively. The severity of the impact of this variant on the protein is high, based on the effect of the protein and REVEL score . Rare Exome Variant Ensemble Learner (REVEL) is an ensembl method for predicting the pathogenicity of missense variants based on a combination of scores from 13 individual tools: MutPred, FATHMM v2.3, VEST 3.0, PolyPhen-2, SIFT, PROVEAN, MutationAssessor, MutationTaster, LRT, GERP++, SiPhy, phyloP, and phastCons. The REVEL score for an individual missense variant can range from 0 to 1, with higher scores reflecting greater likelihood that the variant is disease-causing. Based on the above evidence this variant has been classified as Likely Pathogenic according to the ACMG guidelines.